The following is an entry in ClinVar:

NM_005359.6(SMAD4):c.1544G>A (p.Arg515Lys)

Gene: SMAD4 (SMAD family member 4; plus strand). Cytogenetic location: 18q21.2.
Variant type: single nucleotide variant.
Coding change: c.1544G>A on transcript NM_005359.6 (MANE Select); coding-DNA position 1544, G replaced by A.
Protein change: p.Arg515Lys; replaces arginine 515 with lysine.
Molecular consequence: missense variant. On other transcripts: non-coding transcript variant (1).
Genome position (GRCh38, 1-based): chr18:51,078,352, G>A. VCF-style: chr18-51078352-G-A. GRCh37 (hg19) VCF-style: chr18-48604722-G-A.
Other names: c.1544G>A, p.Arg515Lys (NM_001407041.1, NM_001407042.1); short protein forms R515K.
Identifiers: ClinVar variation 2500656 (VCV002500656.1), dbSNP rs2144478851, ClinGen allele CA402465995.

ClinVar aggregate classification (germline): Uncertain significance (1 of 4 stars; one submission).

Submission:

GeneDx
Classification: Uncertain significance. Last evaluated: 2022-10-30. Review status: criteria provided, single submitter. Criteria: GeneDx Variant Classification Process June 2021. Collection method: clinical testing. Allele origin: germline. Affected: yes.
Comment: Not observed at significant frequency in large population cohorts (gnomAD); In silico analysis supports that this missense variant has a deleterious effect on protein structure/function; Has not been previously published as pathogenic or benign to our knowledge; This variant is associated with the following publications: (PMID: 17873119, 18823382, 15235019)